The following is an entry in ClinVar:

ClinVar aggregate classification (germline): Uncertain significance (1 of 4 stars; one submission).

Submission:

Mayo Clinic Laboratories, Mayo Clinic
Classification: Uncertain significance. Last evaluated: 2025-10-03. Review status: criteria provided, single submitter. Criteria: ACMG Guidelines, 2015. Collection method: clinical testing. Allele origin: germline. Observed: 1 variant allele.
Comment: PP3_strong, PM1, PM2_supporting

Literature cited by the submitters: PubMed 18023282; PubMed 19717560; PubMed 23603613.

NM_001375808.2(LPIN2):c.2066A>T (p.Asp689Val)

Gene: LPIN2 (lipin 2; minus strand). Cytogenetic location: 18p11.31.
Variant type: single nucleotide variant.
Coding change: c.2066A>T on transcript NM_001375808.2 (MANE Select); coding-DNA position 2066, A replaced by T.
Protein change: p.Asp689Val; replaces aspartic acid 689 with valine.
Molecular consequence: missense variant.
Genome position (GRCh38, 1-based): chr18:2,924,419, T>A on the plus strand (A>T on the coding strand, the complement: LPIN2 is on the minus strand). VCF-style: chr18-2924419-T-A. GRCh37 (hg19) VCF-style: chr18-2924417-T-A.
Other names: p.Asp689Val; c.2066A>T, p.Asp689Val (NM_001375809.1, NM_014646.2); short protein forms D689V.
Identifiers: ClinVar variation 4542242 (VCV004542242.1).
Genomic context (GRCh38, chr18:2,924,419, plus strand): 5'-GGGCTGTTCCTTGCCACCCACCTGAAGGATTGAGCTTACTTGGTTATTGTCCCATCAATA[T>A]CAGAAATGATGATCTTGTCATTCCAGTTCCACAGGTAAATGGTCCCTGCACAGCGACAGG-3'
Protein context (NP_001362737.1, residues 679-699): WNWNDKIIIS[Asp689Val]IDGTITKSDA